The following is an entry in ClinVar:

ClinVar aggregate classification (germline): Likely pathogenic (1 of 4 stars; one submission).

Conditions:
Charcot-Marie-Tooth disease type 4B2. Also called: Charcot-Marie-Tooth Neuropathy Type 4B2; CHARCOT-MARIE-TOOTH DISEASE, DEMYELINATING, TYPE 4B2; CHARCOT-MARIE-TOOTH DISEASE, WITH FOCALLY FOLDED MYELIN SHEATHS, AUTOSOMAL RECESSIVE, TYPE 4B2; CMT 4B2. Identifiers: Orphanet 99956, MedGen C1858278, MONDO:0011475, OMIM 604563.

Submission:

Institute of Human Genetics, University of Leipzig Medical Center
Classification: Likely pathogenic for Charcot-Marie-Tooth disease type 4B2. Last evaluated: 2019-05-09. Review status: criteria provided, single submitter. Criteria: ACMG Guidelines, 2015. Collection method: clinical testing. Allele origin: unknown. Inheritance: Autosomal recessive inheritance. Affected: yes.
Comment: Criteria applied: PVS1, PM2_SUP

NM_030962.4(SBF2):c.2329del (p.Trp777fs)

Genes: SBF2 (SET binding factor 2; minus strand), LOC101928008 (uncharacterized LOC101928008; plus strand). Cytogenetic location: 11p15.4.
Variant type: Deletion.
Coding change: c.2329del on transcript NM_030962.4 (MANE Select); coding-DNA position 2329, one base deleted (T; older notation c.2329delT).
Protein change: p.Trp777fs; shifts the reading frame from tryptophan 777.
Molecular consequence: frameshift variant.
Genome position (GRCh38, 1-based): chr11:9,856,492, A deleted on the plus strand (T on the coding strand, the reverse complement: SBF2 is on the minus strand). VCF-style (leftmost placement, unchanged base first): chr11-9856491-CA-C. GRCh37 (hg19) VCF-style: chr11-9878038-CA-C.
Other names: c.2329del, p.Trp777fs (NM_001386339.1); c.2200del, p.Trp734fs (NM_001386342.1); c.2365del, p.Trp789fs (NM_001424318.1); c.2329delT, p.Trp777Glyfs (NM_030962.3); short protein forms W734fs, W777fs, W789fs.
Identifiers: ClinVar variation 2665001 (VCV002665001.2), dbSNP rs2494901293, ClinGen allele CA2695201080.
Genomic context (GRCh38, chr11:9,856,491, plus strand): 5'-AGGGTCTGTGTGTTCACATTTTGGTACCTGTTTGTGACAATGCTGTTGCTTCCGCTCTCC[CA>C]GTCACCTGGCGCTGATGTTCTTAGGAGCTTGTTTTTACTTGTGTCGAGTGGAACTAGCAG-3'